The following is an entry in ClinVar:

NM_032228.6(FAR1):c.716C>T (p.Pro239Leu)

Gene: FAR1 (fatty acyl-CoA reductase 1; plus strand). Cytogenetic location: 11p15.3.
Variant type: single nucleotide variant.
Coding change: c.716C>T on transcript NM_032228.6 (MANE Select); coding-DNA position 716, C replaced by T.
Protein change: p.Pro239Leu; replaces proline 239 with leucine.
Molecular consequence: missense variant. On other transcripts: intron variant (3).
Genome position (GRCh38, 1-based): chr11:13,710,863, C>T. VCF-style: chr11-13710863-C-T. GRCh37 (hg19) VCF-style: chr11-13732410-C-T.
Other names: c.716C>T, p.Pro239Leu (NM_001441242.1, NM_001441243.1, NM_001441244.1 and 2 more transcripts); c.536C>T, p.Pro179Leu (NM_001441246.1); c.546-901C>T (NM_001441248.1); c.546-2103C>T (NM_001441249.1); c.545+2784C>T (NM_001441250.1); short protein forms P179L, P239L.
Identifiers: ClinVar variation 4885626 (VCV004885626.2).
Genomic context (GRCh38, chr11:13,710,863, plus strand): 5'-GAGCAAAACTAAATGTGGCAATTGTAAGGCCATCGATTGTTGGTGCCAGTTGGAAAGAAC[C>T]TTTTCCAGTAAGTTGTTAGAAACCTTTATAAATAACTGGAGTTGAGAATTTTAAGTTGTA-3'
Protein context (NP_115604.1, residues 229-249): PSIVGASWKE[Pro239Leu]FPGWIDNFNG

ClinVar aggregate classification (germline): Uncertain significance (1 of 4 stars; one submission).

Submission:

Dasa
Classification: Uncertain significance. Last evaluated: 2025-06-28. Review status: criteria provided, single submitter. Criteria: DASA Assertion Criteria. Collection method: clinical testing. Allele origin: germline.
Comment: NM_032228.6(FAR1):c.716C>T (p.Pro239Leu) is a missense variant that results in the substitution of proline with leucine. This variant is absent from population databases. Computational prediction algorithms are consistent with a deleterious effect. The currently available literature and clinical evidence are not sufficient to establish a definitive association between this variant and the reported condition. Therefore, this variant is classified as a variant of uncertain significance.